The following is an entry in ClinVar:

ClinVar aggregate classification (germline): Uncertain significance (1 of 4 stars; one submission).

Conditions:
Autosomal dominant hypocalcemia 1 (HYPOC1). Also called: HYPOCALCEMIA, FAMILIAL. Identifiers: MedGen C3715128, MONDO:0011013, OMIM 601198.
Familial hypocalciuric hypercalcemia (FHH). Also called: Familial benign hypercalcemia. Identifiers: Orphanet 405, MedGen C1809471, MONDO:0018458.

gnomAD v4.1: 1 of 1,613,472 alleles (0.000062%); highest among the groups gnomAD compares: East Asian, 0.0022%; no homozygotes.

Submission:

Labcorp Genetics (formerly Invitae), Labcorp
Classification: Uncertain significance for Familial hypocalciuric hypercalcemia; Autosomal dominant hypocalcemia 1. Last evaluated: 2022-01-17. Review status: criteria provided, single submitter. Criteria: Invitae Variant Classification Sherloc (09022015). Collection method: clinical testing. Allele origin: germline.
Comment: In summary, the available evidence is currently insufficient to determine the role of this variant in disease. Therefore, it has been classified as a Variant of Uncertain Significance. Algorithms developed to predict the effect of missense changes on protein structure and function (SIFT, PolyPhen-2, Align-GVGD) all suggest that this variant is likely to be tolerated. This variant has not been reported in the literature in individuals affected with CASR-related conditions. This variant is not present in population databases (gnomAD no frequency). This sequence change replaces threonine, which is neutral and polar, with serine, which is neutral and polar, at codon 909 of the CASR protein (p.Thr909Ser).

NM_000388.4(CASR):c.2726C>G (p.Thr909Ser)

Gene: CASR (calcium sensing receptor; plus strand). Cytogenetic location: 3q21.1.
Variant type: single nucleotide variant.
Coding change: c.2726C>G on transcript NM_000388.4 (MANE Select); coding-DNA position 2726, C replaced by G.
Protein change: p.Thr909Ser; replaces threonine 909 with serine.
Molecular consequence: missense variant.
Genome position (GRCh38, 1-based): chr3:122,284,680, C>G. VCF-style: chr3-122284680-C-G. GRCh37 (hg19) VCF-style: chr3-122003527-C-G.
Other names: c.2756C>G, p.Thr919Ser (NM_001178065.2); short protein forms T919S, T909S.
Identifiers: ClinVar variation 2086694 (VCV002086694.4), dbSNP rs201067523, ClinGen allele CA82749192.